The following is an entry in ClinVar:

ClinVar aggregate classification (germline): Uncertain significance (1 of 4 stars; one submission).

Conditions:
Hereditary cancer-predisposing syndrome. Also called: Neoplastic Syndromes, Hereditary; Tumor predisposition; Hereditary neoplastic syndrome; Hereditary Cancer Syndrome. Identifiers: Orphanet 140162, MedGen C0027672, MeSH D009386, MONDO:0015356.

Submission:

Ambry Genetics
Classification: Uncertain significance for Hereditary cancer-predisposing syndrome. Last evaluated: 2023-12-15. Review status: criteria provided, single submitter. Criteria: Ambry Variant Classification Scheme 2023. Collection method: clinical testing. Allele origin: germline.
Comment: The p.N369K variant (also known as c.1107T>A), located in coding exon 7 of the MEN1 gene, results from a T to A substitution at nucleotide position 1107. The asparagine at codon 369 is replaced by lysine, an amino acid with similar properties. This amino acid position is conserved. In addition, the in silico prediction for this alteration is inconclusive. Since supporting evidence is limited at this time, the clinical significance of this alteration remains unclear.

NM_001370259.2(MEN1):c.1107T>A (p.Asn369Lys)

Gene: MEN1 (menin 1; minus strand). Cytogenetic location: 11q13.1.
Variant type: single nucleotide variant.
Coding change: c.1107T>A on transcript NM_001370259.2 (MANE Select); coding-DNA position 1107, T replaced by A.
Protein change: p.Asn369Lys; replaces asparagine 369 with lysine.
Molecular consequence: missense variant. On other transcripts: non-coding transcript variant (4).
Genome position (GRCh38, 1-based): chr11:64,805,713, A>T on the plus strand (T>A on the coding strand, the complement: MEN1 is on the minus strand). VCF-style: chr11-64805713-A-T. GRCh37 (hg19) VCF-style: chr11-64573185-A-T.
Other names: c.1122T>A, p.Asn374Lys (NM_000244.4, NM_001407145.1, NM_130800.3 and 4 more transcripts); c.1233T>A, p.Asn411Lys (NM_001370251.2, NM_001407142.1, NM_001407143.1 and 1 more transcripts); c.1107T>A, p.Asn369Lys (NM_001370260.2, NM_001370261.2, NM_001407146.1 and 3 more transcripts); c.1002T>A, p.Asn334Lys (NM_001370262.2, NM_001370263.2, NM_001407148.1 and 1 more transcripts); c.1248T>A, p.Asn416Lys (NM_001407150.1); c.1128T>A, p.Asn376Lys (NM_001407151.1); short protein forms N334K, N369K, N374K, N376K, N411K, N416K.
Identifiers: ClinVar variation 3229048 (VCV003229048.1), dbSNP rs2497158980, ClinGen allele CA381182584.